The following is an entry in ClinVar:

ClinVar aggregate classification (germline): Conflicting classifications of pathogenicity. Review status: criteria provided, conflicting classifications (1 of 4 stars). 3 submissions from 3 submitters: Uncertain significance (2); Likely benign (1). Last evaluated 2025-05-13.

Conditions:
Brugada syndrome. Also called: Sudden unexpected nocturnal death syndrome; Sudden unexplained nocturnal death syndrome; Sudden Unexplained Death Syndrome; Sudden Unexplained Nocturnal Death Syndrome (SUNDS). Identifiers: Orphanet 130, MedGen C1142166, MONDO:0015263.
Cardiovascular phenotype. Identifiers: MedGen CN230736.

Allele frequency attached by ClinVar (database versions not stated): 1000 Genomes Project 30x 0.00016; gnomAD exomes 0.00003; TOPMed 0.00014; ExAC 0.00003; ESP Exome Variant Server 0.00008; 1000 Genomes Project 0.00020.
gnomAD v4.1: 33 of 1,614,104 alleles (0.002%); highest among the groups gnomAD compares: African/African-American, 0.037%; no homozygotes.

Submissions (3):

Labcorp Genetics (formerly Invitae), Labcorp
Classification: Uncertain significance for Brugada syndrome. Last evaluated: 2025-05-13. Review status: criteria provided, single submitter. Criteria: Invitae Variant Classification Sherloc (09022015). Collection method: clinical testing. Allele origin: germline.
Comment: This sequence change replaces aspartic acid, which is acidic and polar, with asparagine, which is neutral and polar, at codon 1789 of the SCN10A protein (p.Asp1789Asn). This variant is present in population databases (rs375735101, gnomAD 0.03%). This variant has not been reported in the literature in individuals affected with SCN10A-related conditions. ClinVar contains an entry for this variant (Variation ID: 1009585). Invitae Evidence Modeling of protein sequence and biophysical properties (such as structural, functional, and spatial information, amino acid conservation, physicochemical variation, residue mobility, and thermodynamic stability) indicates that this missense variant is not expected to disrupt SCN10A protein function with a negative predictive value of 80%. In summary, the available evidence is currently insufficient to determine the role of this variant in disease. Therefore, it has been classified as a Variant of Uncertain Significance.

GeneDx
Classification: Uncertain significance. Last evaluated: 2024-07-31. Review status: criteria provided, single submitter. Criteria: GeneDx Variant Classification Process June 2021. Collection method: clinical testing. Allele origin: germline.
Comment: Has not been previously published as pathogenic or benign to our knowledge; In silico analysis supports that this missense variant has a deleterious effect on protein structure/function

Ambry Genetics
Classification: Likely benign for Cardiovascular phenotype. Last evaluated: 2019-12-04. Review status: criteria provided, single submitter. Criteria: Ambry Variant Classification Scheme 2023. Collection method: clinical testing. Allele origin: germline.

NM_006514.4(SCN10A):c.5365G>A (p.Asp1789Asn)

Gene: SCN10A (sodium voltage-gated channel alpha subunit 10; minus strand). Cytogenetic location: 3p22.2.
Variant type: single nucleotide variant.
Coding change: c.5365G>A on transcript NM_006514.4 (MANE Select); coding-DNA position 5365, G replaced by A.
Protein change: p.Asp1789Asn; replaces aspartic acid 1789 with asparagine.
Molecular consequence: missense variant.
Genome position (GRCh38, 1-based): chr3:38,697,855, C>T on the plus strand (G>A on the coding strand, the complement: SCN10A is on the minus strand). VCF-style: chr3-38697855-C-T. GRCh37 (hg19) VCF-style: chr3-38739346-C-T.
Other names: c.5362G>A, p.Asp1788Asn (NM_001293306.2); c.5071G>A, p.Asp1691Asn (NM_001293307.2); short protein forms D1691N, D1788N, D1789N.
Identifiers: ClinVar variation 1009585 (VCV001009585.8), dbSNP rs375735101, ClinGen allele CA2319685.
Genomic context (GRCh38, chr3:38,697,855, plus strand): 5'-TGGTGAAAGCAAAAAGGATGTCCAAGCAGTGGATCTTATCTCCAGGGACCAAAGGCAGGT[C>T]CATCTGGATCAGTATATTTCGATTGGGTTTTGGGATTCTCAGGGGACCAGAGAGAGTGTC-3'
Protein context (NP_006505.4, residues 1779-1799): KPNRNILIQM[Asp1789Asn]LPLVPGDKIH